The following is an entry in ClinVar:

ClinVar aggregate classification (germline): Likely benign. Review status: criteria provided, multiple submitters, no conflicts (2 of 4 stars). 2 submissions from 2 submitters: Likely benign (2). Last evaluated 2018-06-14.

Allele frequency attached by ClinVar (database versions not stated): 1000 Genomes Project 30x 0.01140; 1000 Genomes Project 0.01158; ESP Exome Variant Server 0.01791; TOPMed 0.01793; gnomAD exomes 0.01812 and 0.02144; ExAC 0.01818.
gnomAD v4.1: 33,797 of 1,608,310 alleles (2.1%); highest among the groups gnomAD compares: Non-Finnish European, 2.3%; 442 homozygotes.

Submissions (2):

GeneDx
Classification: Likely benign. Last evaluated: 2018-06-14. Review status: criteria provided, single submitter. Criteria: GeneDx Variant Classification (06012015). Collection method: clinical testing. Allele origin: germline. Affected: yes.
Comment: This variant is considered likely benign or benign based on one or more of the following criteria: it is a conservative change, it occurs at a poorly conserved position in the protein, it is predicted to be benign by multiple in silico algorithms, and/or has population frequency not consistent with disease.

Breakthrough Genomics
Classification: Likely benign. Review status: criteria provided, single submitter. Criteria: ACMG Guidelines, 2015. Collection method: not provided. Allele origin: germline. Inheritance: Autosomal dominant inheritance. Affected: yes.

NM_000393.5(COL5A2):c.2338-24A>G

Gene: COL5A2 (collagen type V alpha 2 chain; minus strand). Cytogenetic location: 2q32.2.
Variant type: single nucleotide variant.
Coding change: c.2338-24A>G on transcript NM_000393.5 (MANE Select); 24 bases into the intron before coding-DNA position 2338, A replaced by G.
Molecular consequence: intron variant.
Genome position (GRCh38, 1-based): chr2:189,057,050, T>C on the plus strand (A>G on the coding strand, the complement: COL5A2 is on the minus strand). VCF-style: chr2-189057050-T-C. GRCh37 (hg19) VCF-style: chr2-189921776-T-C.
Identifiers: ClinVar variation 673984 (VCV000673984.2), dbSNP rs73978812, ClinGen allele CA2022362.